The following is an entry in ClinVar:

NM_000492.4(CFTR):c.2402A>G (p.Asn801Ser)

Gene: CFTR (CF transmembrane conductance regulator; plus strand). Cytogenetic location: 7q31.2.
Variant type: single nucleotide variant.
Coding change: c.2402A>G on transcript NM_000492.4 (MANE Select); coding-DNA position 2402, A replaced by G.
Protein change: p.Asn801Ser; replaces asparagine 801 with serine.
Molecular consequence: missense variant.
Genome position (GRCh38, 1-based): chr7:117,592,569, A>G. VCF-style: chr7-117592569-A-G. GRCh37 (hg19) VCF-style: chr7-117232623-A-G.
Other names: short protein forms N801S.
Identifiers: ClinVar variation 632762 (VCV000632762.2), dbSNP rs1562908192, ClinGen allele CA368981144.

ClinVar aggregate classification (germline): Uncertain significance. Review status: criteria provided, multiple submitters, no conflicts (2 of 4 stars). 2 submissions from 2 submitters: Uncertain significance (2). Last evaluated 2024-06-19.

Conditions:
Cystic fibrosis (CF). Also called: MUCOVISCIDOSIS. Identifiers: Orphanet 586, MedGen C0010674, MONDO:0009061, OMIM 219700. Disease mechanism: loss of function.

Submissions (2):

Ambry Genetics
Classification: Uncertain significance for Cystic fibrosis. Last evaluated: 2024-06-19. Review status: criteria provided, single submitter. Criteria: Ambry Variant Classification Scheme 2023. Collection method: clinical testing. Allele origin: germline.
Comment: The p.N801S variant (also known as c.2402A>G), located in coding exon 14 of the CFTR gene, results from an A to G substitution at nucleotide position 2402. The asparagine at codon 801 is replaced by serine, an amino acid with highly similar properties. This amino acid position is not well conserved in available vertebrate species. In addition, this alteration is predicted to be tolerated by in silico analysis. Based on the available evidence, the clinical significance of this variant remains unclear.

Women's Health and Genetics/Laboratory Corporation of America, LabCorp
Classification: Uncertain significance. Last evaluated: 2018-06-18. Review status: criteria provided, single submitter. Criteria: LabCorp Variant Classification Summary - May 2015. Collection method: clinical testing. Allele origin: germline.
Comment: Variant summary: CFTR c.2402A>G (p.Asn801Ser) results in a conservative amino acid change located in the CFTR regulator domain (IPR025837) of the encoded protein sequence. Five of five in-silico tools predict a benign effect of the variant on protein function. The variant was absent in 175300 control chromosomes (in gnomAD). The available data on variant occurrences in the general population are insufficient to allow any conclusion about variant significance. To our knowledge, no occurrence of c.2402A>G in individuals affected with Cystic Fibrosis and no experimental evidence demonstrating its impact on protein function have been reported. No clinical diagnostic laboratories have submitted clinical-significance assessments for this variant to ClinVar after 2014. Based on the evidence outlined above, the variant was classified as uncertain significance.